The following is an entry in ClinVar:

ClinVar aggregate classification (germline): Uncertain significance (1 of 4 stars; one submission).

Conditions:
Hereditary cancer-predisposing syndrome. Also called: Neoplastic Syndromes, Hereditary; Tumor predisposition; Hereditary Cancer Syndrome; Hereditary neoplastic syndrome. Identifiers: Orphanet 140162, MedGen C0027672, MeSH D009386, MONDO:0015356.

Submission:

Ambry Genetics
Classification: Uncertain significance for Hereditary cancer-predisposing syndrome. Last evaluated: 2023-11-15. Review status: criteria provided, single submitter. Criteria: Ambry Variant Classification Scheme 2023. Collection method: clinical testing. Allele origin: germline.
Comment: The p.M1334V variant (also known as c.4000A>G), located in coding exon 20 of the MET gene, results from an A to G substitution at nucleotide position 4000. The methionine at codon 1334 is replaced by valine, an amino acid with highly similar properties. This amino acid position is highly conserved in available vertebrate species. In addition, this alteration is predicted to be deleterious by in silico analysis. Since supporting evidence is limited at this time, the clinical significance of this alteration remains unclear.

NM_000245.4(MET):c.3946A>G (p.Met1316Val)

Gene: MET (MET proto-oncogene, receptor tyrosine kinase; plus strand). Cytogenetic location: 7q31.2.
Variant type: single nucleotide variant.
Coding change: c.3946A>G on transcript NM_000245.4 (MANE Select); coding-DNA position 3946, A replaced by G.
Protein change: p.Met1316Val; replaces methionine 1316 with valine.
Molecular consequence: missense variant.
Genome position (GRCh38, 1-based): chr7:116,795,897, A>G. VCF-style: chr7-116795897-A-G. GRCh37 (hg19) VCF-style: chr7-116435951-A-G.
Other names: c.4000A>G, p.Met1334Val (NM_001127500.3); c.2656A>G, p.Met886Val (NM_001324402.2); short protein forms M1316V, M1334V, M886V.
Identifiers: ClinVar variation 1736930 (VCV001736930.2), dbSNP rs2117110520, ClinGen allele CA369118063.